The following is an entry in ClinVar:

NM_003742.4(ABCB11):c.2815-2A>G

Genes: ABCB11 (ATP binding cassette subfamily B member 11; minus strand), LOC126806400 (CDK7 strongly-dependent group 2 enhancer GRCh37_chr2:169791870-169793069; plus strand). Cytogenetic location: 2q31.1.
Variant type: single nucleotide variant.
Coding change: c.2815-2A>G on transcript NM_003742.4 (MANE Select); the canonical splice acceptor site of the intron before coding-DNA position 2815, A replaced by G.
Molecular consequence: splice acceptor variant.
Genome position (GRCh38, 1-based): chr2:168,935,427, T>C on the plus strand (A>G on the coding strand, the complement: ABCB11 is on the minus strand). VCF-style: chr2-168935427-T-C. GRCh37 (hg19) VCF-style: chr2-169791937-T-C.
Identifiers: ClinVar variation 2680334 (VCV002680334.2), dbSNP rs2545267498, ClinGen allele CA349124275.

ClinVar aggregate classification (germline): Pathogenic/Likely pathogenic. Review status: criteria provided, multiple submitters, no conflicts (2 of 4 stars). 2 submissions from 2 submitters: Pathogenic (1); Likely pathogenic (1). Last evaluated 2026-04-14.

Conditions:
Benign recurrent intrahepatic cholestasis type 2 (BRIC2). Also called: Recurrent familial intrahepatic cholestasis 2. Identifiers: Orphanet 65682, Orphanet 99961, MedGen C2608083, MONDO:0011559, OMIM 605479.
Familial intrahepatic cholestasis. Identifiers: Orphanet 284385, MedGen CN296401, MONDO:0017290.

Submissions (2):

Genomenon, Inc
Classification: Pathogenic for Familial intrahepatic cholestasis. Last evaluated: 2026-04-14. Review status: criteria provided, single submitter. Criteria: Genomenon Sequence Variant Interpretation Standards - Updated. Collection method: curation. Allele origin: germline. Affected: yes.
Comment: ABCB11 c.2815-2A>G is a canonical splice variant affecting the acceptor splice site of intron 22. It is predicted to affect mRNA splicing, leading to a deleterious effect on the ABCB11 protein. This variant has been observed in at least one proband with an ABCB11-related disorder (PMID:37697751). It is absent or not present at a significant frequency in gnomAD. In conclusion, we classify ABCB11 c.2815-2A>G as a pathogenic variant.

Baylor Genetics
Classification: Likely pathogenic for Benign recurrent intrahepatic cholestasis type 2. Last evaluated: 2023-04-26. Review status: criteria provided, single submitter. Criteria: ACMG Guidelines, 2015. Collection method: clinical testing. Allele origin: unknown.

Literature cited by the submitters: PubMed 37697751 (cited by Genomenon, Inc).